The following is an entry in ClinVar:

NM_003738.5(PTCH2):c.3347C>T (p.Pro1116Leu)

Gene: PTCH2 (patched 2; minus strand). Cytogenetic location: 1p34.1.
Variant type: single nucleotide variant.
Coding change: c.3347C>T on transcript NM_003738.5 (MANE Select); coding-DNA position 3347, C replaced by T.
Protein change: p.Pro1116Leu; replaces proline 1116 with leucine.
Molecular consequence: missense variant.
Genome position (GRCh38, 1-based): chr1:44,823,079, G>A on the plus strand (C>T on the coding strand, the complement: PTCH2 is on the minus strand). VCF-style: chr1-44823079-G-A. GRCh37 (hg19) VCF-style: chr1-45288751-G-A.
Other names: c.3347C>T, p.Pro1116Leu (NM_001166292.2); short protein forms P1116L.
Identifiers: ClinVar variation 453938 (VCV000453938.16), dbSNP rs539161089, ClinGen allele CA822723.

ClinVar aggregate classification (germline): Uncertain significance. Review status: criteria provided, multiple submitters, no conflicts (2 of 4 stars). 4 submissions from 4 submitters: Uncertain significance (3). 1 of the submissions does not count toward it. Last evaluated 2024-12-12.

Conditions:
PTCH2-related disorder. Also called: PTCH2-related condition; PTCH2-related disease.
Gorlin syndrome. Also called: Basal cell nevus syndrome; Nevoid Basal Cell Carcinoma Syndrome. Identifiers: Orphanet 377, MedGen C0004779, MONDO:0007187.
Basal cell carcinoma, susceptibility to, 1. Also called: BCC1. Identifiers: MedGen C2751544, MONDO:0011556, OMIM 605462.
Medulloblastoma (MDB). Also called: Medulloblastoma, somatic; MEDULLOBLASTOMA PREDISPOSITION SYNDROME. Identifiers: Orphanet 616, MedGen C0025149, MeSH D008527, MONDO:0007959, OMIM 155255, HP:0002885.

Allele frequency attached by ClinVar (database versions not stated): gnomAD exomes 0.00001 and 0.00004; ExAC 0.00002; gnomAD 0.00002 and 0.00003; TOPMed 0.00002; 1000 Genomes Project 0.00020; 1000 Genomes Project 30x 0.00031.

Submissions (4):

Labcorp Genetics (formerly Invitae), Labcorp
Classification: Uncertain significance for Gorlin syndrome. Last evaluated: 2024-12-12. Review status: criteria provided, single submitter. Criteria: Invitae Variant Classification Sherloc (09022015). Collection method: clinical testing. Allele origin: germline.
Comment: This sequence change replaces proline, which is neutral and non-polar, with leucine, which is neutral and non-polar, at codon 1116 of the PTCH2 protein (p.Pro1116Leu). This variant is present in population databases (rs539161089, gnomAD 0.006%). This missense change has been observed in individual(s) with clinical features of PTCH2-related conditions (PMID: 31945512). ClinVar contains an entry for this variant (Variation ID: 453938). Invitae Evidence Modeling of protein sequence and biophysical properties (such as structural, functional, and spatial information, amino acid conservation, physicochemical variation, residue mobility, and thermodynamic stability) indicates that this missense variant is expected to disrupt PTCH2 protein function with a positive predictive value of 80%. In summary, the available evidence is currently insufficient to determine the role of this variant in disease. Therefore, it has been classified as a Variant of Uncertain Significance.

Genetics, Children's Hospital New Orleans
Classification: Uncertain significance for Basal cell nevus syndrome 1. Last evaluated: 2019-07-29. Review status: criteria provided, single submitter. Criteria: ACMG Guidelines, 2015. Collection method: clinical testing. Allele origin: germline. Affected: yes. Observed: 1 heterozygote.
Comment: PTCH2 encodes a transmembrane receptor of the patched gene family. It has been suggested that PTCH2 is a functional Sonic hedgehog receptor, and has tumor-suppressor function (Fan et al., 2008; MIM 603673; Zhulyn et al., 2015). A heterozygous missense variant in PTCH2 has been reported in one family in association with nevoid basal cell carcinoma syndrome (NBCCS) (Fan et al., 2008). Another patient with NBCCS was found to have a frameshift variant resulting in truncation of the PTCH2 protein and haploinsufficiency (Fujii et al., 2013). NBCCS is an autosomal dominant condition characterized by lamellar calcification of the falx, jaw keratocyst, palmar/plantar pits, and multiple basal cell carcinomas in addition to skeletal anomalies, macrocephaly, oral clefting, ovarian/cardiac fibroma, lymphomesenteric cysts and ocular abnormalities; however, intra- and interfamilial variability has been observed (Evans and Farndon, 2013; Bree et al., 2011). This semi-conservative amino acid substitution has not been reported in the literature as either a benign or pathogenic variant. Two entries exist within a whole exome sequencing healthy population reference database for this missense variant, once in an individual of East Asian decent and once in an individual of European non-Finnish descent, suggesting an allele frequency of 0.000008076 (gnomAD), raising the possibility of a rare benign variant. Other variants at this codon have been reported as well in healthy reference populations, again raising concerns that observed variant is rare and benign. While Gorlin syndrome displays complete penetrance when attributed to PTCH1 variants, several reported pathogenic PTCH2 variants have been identified in individuals with features of NBCCs as well as apparently healthy reference populations, suggesting incomplete penetrance in PTCH2-related disease (Fujii et al. 2013; Fan et al., 2008). A recent case report by Altaraihi et al. describes a homozygous mother and heterozygous daughter with a frameshift mutation in PTCH2. Although both patients display significant pathology, neither exhibit features characteristic of NBCCS, further challenging the pathogenicity of this gene in the context of Gorlin syndrome (Altaraihi et al. 2019). Available in silico analysis produces inconsistent, contradictory predictions regarding impact of this amino acid substitution on PTCH2 protein structure and function (Polyphen 2: benign, score 0.319; SIFT: Damaging; MutTaster: disease causing, score 0.999). Additional in silico modeling suggests that this variant may result in altered splicing or exon skipping (HSP3.1; Ex-Skip).

Fulgent Genetics
Classification: Uncertain significance for Basal cell nevus syndrome 1; Medulloblastoma; Basal cell carcinoma, susceptibility to, 1. Last evaluated: 2018-10-31. Review status: criteria provided, single submitter. Criteria: ACMG Guidelines, 2015. Collection method: clinical testing. Allele origin: unknown.

PreventionGenetics, part of Exact Sciences
Classification: Uncertain significance for PTCH2-related condition. Last evaluated: 2024-08-05. Review status: no assertion criteria provided. Collection method: clinical testing. Allele origin: germline. Not counted in ClinVar's aggregate classification.
Comment: The PTCH2 c.3347C>T variant is predicted to result in the amino acid substitution p.Pro1116Leu. This variant was reported in the heterozygous state in three family members with minor diagnostic features of a Gorlin syndrome-like phenotype (nevoid basal-cell carcinoma syndrome); however all three family members do not meet clinical criteria for Gorlin syndrome (Casano et al. 2020. PubMed ID: 31945512). This variant is reported in 0.0055% of alleles in individuals of East Asian descent in gnomAD and is classified as a variant of uncertain significance in gnomAD. At this time, the clinical significance of this variant is uncertain due to the absence of conclusive functional and genetic evidence.

Literature cited by the submitters: PubMed 31945512 (cited by Labcorp Genetics (formerly Invitae), Labcorp).